The following is an entry in ClinVar:

ClinVar aggregate classification (germline): Uncertain significance (1 of 4 stars; one submission).

Submission:

GeneDx
Classification: Uncertain significance. Last evaluated: 2024-10-24. Review status: criteria provided, single submitter. Criteria: GeneDx Variant Classification Process June 2021. Collection method: clinical testing. Allele origin: germline. Affected: yes.
Comment: Not observed at significant frequency in large population cohorts (gnomAD); In silico analysis indicates that this missense variant does not alter protein structure/function; Has not been previously published as pathogenic or benign to our knowledge

NM_016239.4(MYO15A):c.10198G>T (p.Ala3400Ser)

Gene: MYO15A (myosin XVA; plus strand). Cytogenetic location: 17p11.2.
Variant type: single nucleotide variant.
Coding change: c.10198G>T on transcript NM_016239.4 (MANE Select); coding-DNA position 10198, G replaced by T.
Protein change: p.Ala3400Ser; replaces alanine 3400 with serine.
Molecular consequence: missense variant.
Genome position (GRCh38, 1-based): chr17:18,171,753, G>T. VCF-style: chr17-18171753-G-T. GRCh37 (hg19) VCF-style: chr17-18075067-G-T.
Other names: short protein forms A3400S.
Identifiers: ClinVar variation 3893479 (VCV003893479.1).